The following is an entry in ClinVar:

NM_001330260.2(SCN8A):c.4310A>G (p.Asn1437Ser)

Gene: SCN8A (sodium voltage-gated channel alpha subunit 8; plus strand). Cytogenetic location: 12q13.13.
Variant type: single nucleotide variant.
Coding change: c.4310A>G on transcript NM_001330260.2 (MANE Select); coding-DNA position 4310, A replaced by G.
Protein change: p.Asn1437Ser; replaces asparagine 1437 with serine.
Molecular consequence: missense variant.
Genome position (GRCh38, 1-based): chr12:51,789,309, A>G. VCF-style: chr12-51789309-A-G. GRCh37 (hg19) VCF-style: chr12-52183093-A-G.
Other names: c.4187A>G, p.Asn1396Ser (NM_001177984.3, NM_001369788.1); c.4310A>G, p.Asn1437Ser (NM_014191.4); short protein forms N1396S, N1437S.
Identifiers: ClinVar variation 4696873 (VCV004696873.1).

ClinVar aggregate classification (germline): Uncertain significance (1 of 4 stars; one submission).

Conditions:
Early-infantile DEE. Also called: Early infantile epileptic encephalopathy with suppression bursts; Early infantile epileptic encephalopathy; Ohtahara syndrome. Identifiers: Orphanet 1934, MedGen C0393706, MONDO:0800491.

Submission:

Labcorp Genetics (formerly Invitae), Labcorp
Classification: Uncertain significance for Early-infantile DEE. Last evaluated: 2025-10-21. Review status: criteria provided, single submitter. Criteria: Invitae Variant Classification Sherloc (09022015). Collection method: clinical testing. Allele origin: germline.
Comment: This sequence change replaces asparagine, which is neutral and polar, with serine, which is neutral and polar, at codon 1437 of the SCN8A protein (p.Asn1437Ser). This variant is not present in population databases (gnomAD no frequency). This variant has not been reported in the literature in individuals affected with SCN8A-related conditions. Invitae Evidence Modeling of protein sequence and biophysical properties (such as structural, functional, and spatial information, amino acid conservation, physicochemical variation, residue mobility, and thermodynamic stability) indicates that this missense variant is not expected to disrupt SCN8A protein function with a negative predictive value of 95%. In summary, the available evidence is currently insufficient to determine the role of this variant in disease. Therefore, it has been classified as a Variant of Uncertain Significance.